The following is an entry in ClinVar:

NM_000044.6(AR):c.1616+18G>A

Gene: AR (androgen receptor; plus strand). Cytogenetic location: Xq12.
Variant type: single nucleotide variant.
Coding change: c.1616+18G>A on transcript NM_000044.6 (MANE Select); 18 bases into the intron after coding-DNA position 1616, G replaced by A.
Molecular consequence: intron variant.
Genome position (GRCh38, 1-based): chrX:67,546,780, G>A. VCF-style: chrX-67546780-G-A. GRCh37 (hg19) VCF-style: chrX-66766622-G-A.
Other names: c.-168+18G>A (NM_001011645.3); c.1616+18G>A (NM_001348061.1, NM_001348064.1, NM_001348063.1).
Identifiers: ClinVar variation 513825 (VCV000513825.1), dbSNP rs765113807, ClinGen allele CA658799775.

ClinVar aggregate classification (germline): Likely benign (1 of 4 stars; one submission).

Submission:

GeneDx
Classification: Likely benign. Last evaluated: 2017-11-22. Review status: criteria provided, single submitter. Criteria: GeneDx Variant Classification (06012015). Collection method: clinical testing. Allele origin: germline. Affected: yes.
Comment: This variant is considered likely benign or benign based on one or more of the following criteria: it is a conservative change, it occurs at a poorly conserved position in the protein, it is predicted to be benign by multiple in silico algorithms, and/or has population frequency not consistent with disease.